The following is an entry in ClinVar:

ClinVar aggregate classification (germline): Uncertain significance. Review status: criteria provided, multiple submitters, no conflicts (2 of 4 stars). 2 submissions from 2 submitters: Uncertain significance (2). Last evaluated 2024-04-16.

Conditions:
Familial thoracic aortic aneurysm and aortic dissection (TAAD). Also called: Thoracic aortic aneurysms and dissections. Identifiers: Orphanet 91387, MedGen C4707243, MONDO:0019625.

Allele frequency attached by ClinVar (database versions not stated): ExAC 0.00001.

Submissions (2):

All of Us Research Program, National Institutes of Health
Classification: Uncertain significance for Familial thoracic aortic aneurysm and aortic dissection. Last evaluated: 2024-04-16. Review status: criteria provided, single submitter. Criteria: ACMG Guidelines, 2015. Collection method: clinical testing. Allele origin: germline. Inheritance: Autosomal dominant inheritance. Observed: 1 variant allele, 1 heterozygote.
Comment: This missense variant replaces methionine with leucine at codon 1551 of the MYH11 protein. Computational prediction suggests that this variant may not impact protein structure and function (internally defined REVEL score threshold <= 0.5, PMID: 27666373). To our knowledge, functional studies have not been reported for this variant. This variant has not been reported in individuals affected with MYH11-related disorders in the literature. This variant has been identified in 1/251466 chromosomes in the general population by the Genome Aggregation Database (gnomAD). The available evidence is insufficient to determine the role of this variant in disease conclusively. Therefore, this variant is classified as a Variant of Uncertain Significance.

This study involves interpretation of variants in research participants for the purpose of population health screening. Participant phenotype was not available at the time of variant classification. Additional details can be found in publication PMID: 35346344, PMCID: PMC8962531

Ambry Genetics
Classification: Uncertain significance for Familial thoracic aortic aneurysm and aortic dissection. Last evaluated: 2021-10-07. Review status: criteria provided, single submitter. Criteria: Ambry Variant Classification Scheme 2023. Collection method: clinical testing. Allele origin: germline.
Comment: The p.M1544L variant (also known as c.4630A>T), located in coding exon 32 of the MYH11 gene, results from an A to T substitution at nucleotide position 4630. The methionine at codon 1544 is replaced by leucine, an amino acid with highly similar properties. This amino acid position is conserved. In addition, the in silico prediction for this alteration is inconclusive. Since supporting evidence is limited at this time, the clinical significance of this alteration remains unclear.

NM_002474.3(MYH11):c.4630A>T (p.Met1544Leu)

Genes: NDE1 (nudE neurodevelopment protein 1; plus strand), MYH11 (myosin heavy chain 11; minus strand). Cytogenetic location: 16p13.11.
Variant type: single nucleotide variant.
Coding change: c.4630A>T on transcript NM_002474.3 (MANE Select); coding-DNA position 4630, A replaced by T.
Protein change: p.Met1544Leu; replaces methionine 1544 with leucine.
Molecular consequence: missense variant. On other transcripts: intron variant (2).
Genome position (GRCh38, 1-based): chr16:15,721,000, T>A on the plus strand (A>T on the coding strand, the complement: MYH11 is on the minus strand). VCF-style: chr16-15721000-T-A. GRCh37 (hg19) VCF-style: chr16-15814857-T-A.
Other names: c.4651A>T, p.Met1551Leu (NM_001040113.2, NM_001040114.2); c.4630A>T, p.Met1544Leu (NM_022844.3); c.948-3191T>A (NM_001143979.2, NM_017668.3); short protein forms M1544L, M1551L.
Identifiers: ClinVar variation 1742042 (VCV001742042.3), dbSNP rs778784527, ClinGen allele CA7921604.